The following is an entry in ClinVar:

NM_006060.6(IKZF1):c.589+1G>T

Gene: IKZF1 (IKAROS family zinc finger 1; plus strand). Cytogenetic location: 7p12.2.
Variant type: single nucleotide variant.
Coding change: c.589+1G>T on transcript NM_006060.6 (MANE Select); the canonical splice donor site of the intron after coding-DNA position 589, G replaced by T.
Molecular consequence: splice donor variant. On other transcripts: intron variant (6).
Genome position (GRCh38, 1-based): chr7:50,382,708, G>T. VCF-style: chr7-50382708-G-T. GRCh37 (hg19) VCF-style: chr7-50450406-G-T.
Other names: c.649+1G>T (NM_001410879.1); c.328+1G>T (NM_001291839.2, NM_001291838.2, NM_001220767.2 and 1 more transcripts); c.589+1G>T (NM_001220765.3, NM_001291837.2, NM_001220768.2); c.421+5915G>T (NM_001220771.2); c.161-4637G>T (NM_001291841.1, NM_001291842.1); c.161-9021G>T (NM_001291843.1, NM_001291844.1); c.161-17210G>T (NM_001291840.1).
Identifiers: ClinVar variation 636776 (VCV000636776.7), dbSNP rs1435621658, ClinGen allele CA367531736.

ClinVar aggregate classification (germline): Likely pathogenic. Review status: criteria provided, multiple submitters, no conflicts (2 of 4 stars). 2 submissions from 2 submitters: Likely pathogenic (2). Last evaluated 2024-02-24.

Conditions:
IKZF1-related disorders.

Submissions (2):

Labcorp Genetics (formerly Invitae), Labcorp
Classification: Likely pathogenic. Last evaluated: 2024-02-24. Review status: criteria provided, single submitter. Criteria: Invitae Variant Classification Sherloc (09022015). Collection method: clinical testing. Allele origin: germline.
Comment: This sequence change affects a donor splice site in intron 5 of the IKZF1 gene. It is expected to disrupt RNA splicing. Variants that disrupt the donor or acceptor splice site typically lead to a loss of protein function (PMID: 16199547), however the current clinical and genetic evidence is not sufficient to establish whether loss-of-function variants in IKZF1 cause disease. This variant is not present in population databases (gnomAD no frequency). Disruption of this splice site has been observed in individual(s) with clinical features of IKZF1-related conditions (PMID: 27939403, 33225392, 35979904). ClinVar contains an entry for this variant (Variation ID: 636776). Studies have shown that disruption of this splice site alters IKZF1 gene expression (PMID: 27939403). Studies have shown that disruption of this splice site is associated with inconclusive levels of altered splicing (PMID: 27939403). In summary, the currently available evidence indicates that the variant is pathogenic, but additional data are needed to prove that conclusively. Therefore, this variant has been classified as Likely Pathogenic.

Blueprint Genetics
Classification: Likely pathogenic for IKZF1-related disorders. Last evaluated: 2018-08-30. Review status: criteria provided, single submitter. Criteria: ACMG Guidelines, 2015. Collection method: clinical testing. Allele origin: germline. Affected: yes. Observed: 1 variant allele.

Literature cited by the submitters: PubMed 16199547 (cited by Labcorp Genetics (formerly Invitae), Labcorp); PubMed 27939403 (cited by Labcorp Genetics (formerly Invitae), Labcorp); PubMed 33225392 (cited by Labcorp Genetics (formerly Invitae), Labcorp); PubMed 35979904 (cited by Labcorp Genetics (formerly Invitae), Labcorp).